The following is an entry in ClinVar:

ClinVar aggregate classification (germline): Uncertain significance. Review status: criteria provided, multiple submitters, no conflicts (2 of 4 stars). 2 submissions from 2 submitters: Uncertain significance (2). Last evaluated 2025-06-09.

Allele frequency attached by ClinVar (database versions not stated): ESP Exome Variant Server 0.00008; 1000 Genomes Project 30x 0.00016; 1000 Genomes Project 0.00020.
gnomAD v4.1: 16 of 1,599,078 alleles (0.001%); highest among the groups gnomAD compares: Middle Eastern, 0.017%; no homozygotes.

Submissions (2):

Labcorp Genetics (formerly Invitae), Labcorp
Classification: Uncertain significance. Last evaluated: 2025-06-09. Review status: criteria provided, single submitter. Criteria: Invitae Variant Classification Sherloc (09022015). Collection method: clinical testing. Allele origin: germline.
Comment: This sequence change replaces valine, which is neutral and non-polar, with isoleucine, which is neutral and non-polar, at codon 1363 of the TRRAP protein (p.Val1363Ile). This variant is present in population databases (rs140553884, gnomAD 0.01%). This variant has not been reported in the literature in individuals affected with TRRAP-related conditions. ClinVar contains an entry for this variant (Variation ID: 2430354). Invitae Evidence Modeling of protein sequence and biophysical properties (such as structural, functional, and spatial information, amino acid conservation, physicochemical variation, residue mobility, and thermodynamic stability) indicates that this missense variant is not expected to disrupt TRRAP protein function with a negative predictive value of 80%. In summary, the available evidence is currently insufficient to determine the role of this variant in disease. Therefore, it has been classified as a Variant of Uncertain Significance.

Centre of Medical Genetics, University Hospital Muenster
Classification: Uncertain significance. Last evaluated: 2022-11-15. Review status: criteria provided, single submitter. Criteria: ACMG Guidelines, 2015. Collection method: clinical testing. Allele origin: unknown. Affected: yes. Observed: 1 variant allele, 1 heterozygote.
Comment: ACMG categories: PM2

NM_001375524.1(TRRAP):c.4087G>A (p.Val1363Ile)

Gene: TRRAP (transformation/transcription domain associated protein; plus strand). Cytogenetic location: 7q22.1.
Variant type: single nucleotide variant.
Coding change: c.4087G>A on transcript NM_001375524.1 (MANE Select); coding-DNA position 4087, G replaced by A.
Protein change: p.Val1363Ile; replaces valine 1363 with isoleucine.
Molecular consequence: missense variant.
Genome position (GRCh38, 1-based): chr7:98,935,651, G>A. VCF-style: chr7-98935651-G-A. GRCh37 (hg19) VCF-style: chr7-98533274-G-A.
Other names: c.4087G>A, p.Val1363Ile (NM_001244580.2, NM_003496.4); short protein forms V1363I.
Identifiers: ClinVar variation 2430354 (VCV002430354.5), dbSNP rs140553884, ClinGen allele CA4360153.